The following is an entry in ClinVar:

ClinVar aggregate classification (germline): Uncertain significance. Review status: criteria provided, multiple submitters, no conflicts (2 of 4 stars). 4 submissions from 4 submitters: Uncertain significance (4). Last evaluated 2025-07-31.

Conditions:
Ehlers-Danlos syndrome, type 4 (EDSVASC). Also called: Ehlers-Danlos syndrome vascular type; Ehlers Danlos syndrome, ecchymotic type; Ehlers Danlos syndrome, arterial type; Ehlers Danlos syndrome, Sack-Barabas type; Ehlers-Danlos Syndrome Type IV. Identifiers: Orphanet 286, MedGen C0268338, MONDO:0017314, OMIM 130050.
Familial thoracic aortic aneurysm and aortic dissection (TAAD). Also called: Thoracic aortic aneurysms and dissections. Identifiers: Orphanet 91387, MedGen C4707243, MONDO:0019625.

gnomAD v4.1: 1 of 1,614,022 alleles (0.000062%); no homozygotes.

Submissions (4):

Labcorp Genetics (formerly Invitae), Labcorp
Classification: Uncertain significance for Ehlers-Danlos syndrome, type 4. Last evaluated: 2025-07-31. Review status: criteria provided, single submitter. Criteria: Invitae Variant Classification Sherloc (09022015). Collection method: clinical testing. Allele origin: germline.
Comment: This sequence change replaces valine, which is neutral and non-polar, with alanine, which is neutral and non-polar, at codon 1428 of the COL3A1 protein (p.Val1428Ala). This variant is present in population databases (no rsID available, gnomAD no frequency). This variant has not been reported in the literature in individuals affected with COL3A1-related conditions. ClinVar contains an entry for this variant (Variation ID: 1929168). Invitae Evidence Modeling of protein sequence and biophysical properties (such as structural, functional, and spatial information, amino acid conservation, physicochemical variation, residue mobility, and thermodynamic stability) indicates that this missense variant is not expected to disrupt COL3A1 protein function with a negative predictive value of 95%. In summary, the available evidence is currently insufficient to determine the role of this variant in disease. Therefore, it has been classified as a Variant of Uncertain Significance.

Centre of Medical Genetics, University of Antwerp
Classification: Uncertain significance for Familial thoracic aortic aneurysm and aortic dissection. Last evaluated: 2024-09-06. Review status: criteria provided, single submitter. Criteria: ACMG Guidelines, 2015. Collection method: clinical testing. Allele origin: germline. Affected: yes.

All of Us Research Program, National Institutes of Health
Classification: Uncertain significance for Ehlers-Danlos syndrome, type 4. Last evaluated: 2024-08-06. Review status: criteria provided, single submitter. Criteria: ACMG Guidelines, 2015. Collection method: clinical testing. Allele origin: germline. Inheritance: Autosomal dominant inheritance. Observed: 2 variant alleles, 2 heterozygotes.
Comment: This missense variant replaces valine with alanine at codon 1428 of the COL3A1 protein. Computational prediction suggests that this variant may have deleterious impact on protein structure and function (internally defined REVEL score threshold >= 0.7, PMID: 27666373). To our knowledge, functional studies have not been reported for this variant. This variant has not been reported in individuals affected with COL3A1-related disorders in the literature. This variant has been identified in 1/251348 chromosomes in the general population by the Genome Aggregation Database (gnomAD). The available evidence is insufficient to determine the role of this variant in disease conclusively. Therefore, this variant is classified as a Variant of Uncertain Significance.

This study involves interpretation of variants in research participants for the purpose of population health screening. Participant phenotype was not available at the time of variant classification. Additional details can be found in publication PMID: 35346344, PMCID: PMC8962531

Ambry Genetics
Classification: Uncertain significance for Familial thoracic aortic aneurysm and aortic dissection. Last evaluated: 2023-12-12. Review status: criteria provided, single submitter. Criteria: Ambry Variant Classification Scheme 2023. Collection method: clinical testing. Allele origin: germline.
Comment: The p.V1428A variant (also known as c.4283T>C), located in coding exon 51 of the COL3A1 gene, results from a T to C substitution at nucleotide position 4283. The valine at codon 1428 is replaced by alanine, an amino acid with similar properties. This amino acid position is well conserved in available vertebrate species. In addition, the in silico prediction for this alteration is inconclusive. Since supporting evidence is limited at this time, the clinical significance of this alteration remains unclear.

NM_000090.4(COL3A1):c.4283T>C (p.Val1428Ala)

Gene: COL3A1 (collagen type III alpha 1 chain; plus strand). Cytogenetic location: 2q32.2.
Variant type: single nucleotide variant.
Coding change: c.4283T>C on transcript NM_000090.4 (MANE Select); coding-DNA position 4283, T replaced by C.
Protein change: p.Val1428Ala; replaces valine 1428 with alanine.
Molecular consequence: missense variant.
Genome position (GRCh38, 1-based): chr2:189,011,656, T>C. VCF-style: chr2-189011656-T-C. GRCh37 (hg19) VCF-style: chr2-189876382-T-C.
Other names: short protein forms V1428A.
Identifiers: ClinVar variation 1929168 (VCV001929168.6), dbSNP rs777223634, ClinGen allele CA349850262.
Genomic context (GRCh38, chr2:189,011,656, plus strand): 5'-CATGATCATGTACATTTTGTCCTTTTTTACAGAAACACACTGGGGAATGGAGCAAAACAG[T>C]CTTTGAATATCGAACACGCAAGGCTGTGAGACTACCTATTGTAGATATTGCACCCTATGA-3'
Protein context (NP_000081.2, residues 1418-1438): TKHTGEWSKT[Val1428Ala]FEYRTRKAVR